The following is an entry in ClinVar:

NM_003025.4(SH3GL1):c.1101G>A (p.Pro367=)

Gene: SH3GL1 (SH3 domain containing GRB2 like 1, endophilin A2; minus strand). Cytogenetic location: 19p13.3.
Variant type: single nucleotide variant.
Coding change: c.1101G>A on transcript NM_003025.4 (MANE Select); coding-DNA position 1101, G replaced by A.
Protein change: p.Pro367=; no amino-acid change (proline 367 retained).
Molecular consequence: synonymous variant.
Genome position (GRCh38, 1-based): chr19:4,361,606, C>T on the plus strand (G>A on the coding strand, the complement: SH3GL1 is on the minus strand). VCF-style: chr19-4361606-C-T. GRCh37 (hg19) VCF-style: chr19-4361603-C-T.
Other names: c.1101G>A (NM_003025.3); c.957G>A, p.Pro319= (NM_001199943.2); c.909G>A, p.Pro303= (NM_001199944.2).
Identifiers: ClinVar variation 3067189 (VCV003067189.22), dbSNP rs146571406, ClinGen allele CA9096363.

ClinVar aggregate classification (germline): Likely benign. Review status: criteria provided, multiple submitters, no conflicts (2 of 4 stars). 2 submissions from 2 submitters: Likely benign (2). Last evaluated 2024-09-11.

Allele frequency attached by ClinVar (database versions not stated): 1000 Genomes Project 30x 0.00203; 1000 Genomes Project 0.00220; ExAC 0.00409; gnomAD 0.00448; ESP Exome Variant Server 0.00492; gnomAD exomes 0.00647.
gnomAD v4.1: 9,972 of 1,595,932 alleles (0.62%); highest among the groups gnomAD compares: Non-Finnish European, 0.77%; 44 homozygotes.

Submissions (2):

Ambry Genetics
Classification: Likely benign. Last evaluated: 2024-09-11. Review status: criteria provided, single submitter. Criteria: Ambry Variant Classification Scheme 2023. Collection method: clinical testing. Allele origin: germline.

CeGaT Center for Human Genetics Tuebingen
Classification: Likely benign. Last evaluated: 2024-03-01. Review status: criteria provided, single submitter. Criteria: CeGaT Center For Human Genetics Tuebingen Variant Classification Criteria Version 2. Collection method: clinical testing. Allele origin: germline. Affected: yes. Observed: 1 variant allele.
Comment: SH3GL1: BP4, BP7, BS2